The following is an entry in ClinVar:

ClinVar aggregate classification (germline): Uncertain significance (1 of 4 stars; one submission).

Allele frequency attached by ClinVar (database versions not stated): ExAC 0.00002; gnomAD 0.00002; TOPMed 0.00002.
gnomAD v4.1: 54 of 1,613,880 alleles (0.0033%); highest among the groups gnomAD compares: Non-Finnish European, 0.0042%; no homozygotes.

Submission:

Labcorp Genetics (formerly Invitae), Labcorp
Classification: Uncertain significance. Last evaluated: 2023-05-23. Review status: criteria provided, single submitter. Criteria: Invitae Variant Classification Sherloc (09022015). Collection method: clinical testing. Allele origin: germline.
Comment: The GFAP gene has multiple clinically relevant transcripts. This variant occurs in alternate transcript NM_001131019.2, and corresponds to NM_002055.4:c.1171+465C>A in the primary transcript. In summary, the available evidence is currently insufficient to determine the role of this variant in disease. Therefore, it has been classified as a Variant of Uncertain Significance. Algorithms developed to predict the effect of sequence changes on RNA splicing suggest that this variant is not likely to affect RNA splicing. Experimental studies and prediction algorithms are not available or were not evaluated, and the functional significance of this variant is currently unknown. ClinVar contains an entry for this variant (Variation ID: 1150860). This variant has not been reported in the literature in individuals affected with GFAP-related conditions. This variant is present in population databases (rs777059313, gnomAD 0.003%). This sequence change replaces proline, which is neutral and non-polar, with threonine, which is neutral and polar, at codon 428 of the GFAP protein (p.Pro428Thr).

NM_002055.5(GFAP):c.1171+465C>A

Gene: GFAP (glial fibrillary acidic protein; minus strand). Cytogenetic location: 17q21.31.
Variant type: single nucleotide variant.
Coding change: c.1171+465C>A on transcript NM_002055.5 (MANE Select); 465 bases into the intron after coding-DNA position 1171, C replaced by A.
Molecular consequence: intron variant. On other transcripts: missense variant (2), 3 prime UTR variant (1).
Genome position (GRCh38, 1-based): chr17:44,910,150, G>T on the plus strand (C>A on the coding strand, the complement: GFAP is on the minus strand). VCF-style: chr17-44910150-G-T. GRCh37 (hg19) VCF-style: chr17-42987518-G-T.
Other names: c.1282C>A, p.Pro428Thr (NM_001131019.3, NM_001363846.2); c.*319C>A (NM_001242376.3); short protein forms P428T.
Identifiers: ClinVar variation 1150860 (VCV001150860.9), dbSNP rs777059313, ClinGen allele CA8608685.